The following is an entry in ClinVar:

ClinVar aggregate classification (germline): Uncertain significance. Review status: criteria provided, single submitter (1 of 4 stars). 2 submissions from 2 submitters: Uncertain significance (1). 1 of the submissions does not count toward it. Last evaluated 2026-04-14.

Conditions:
Familial intrahepatic cholestasis. Identifiers: Orphanet 284385, MedGen CN296401, MONDO:0017290.
Progressive familial intrahepatic cholestasis type 1. Also called: BYLER DISEASE; Severe ATP8B1 Deficiency (Progressive Familial Intrahepatic Cholestasis Type 1 [PFIC1]); Byler's disease. Identifiers: Orphanet 79306, MedGen C4551898, MONDO:0008892, OMIM 211600.

Allele frequency attached by ClinVar (database versions not stated): gnomAD exomes below 0.00001; TOPMed below 0.00001; gnomAD 0.00001.
gnomAD v4.1: 2 of 1,613,962 alleles (0.00012%); highest among the groups gnomAD compares: Non-Finnish European, 0.00017%; no homozygotes.

Submissions (2):

Genomenon, Inc
Classification: Uncertain significance for Familial intrahepatic cholestasis. Last evaluated: 2026-04-14. Review status: criteria provided, single submitter. Criteria: Genomenon Sequence Variant Interpretation Standards - Updated. Collection method: curation. Allele origin: germline. Affected: yes.
Comment: ATP8B1 p.Leu288Ser (c.863T>C) is a missense variant that changes the amino acid at residue 288 from Leucine to Serine. This variant has been observed in at least one proband with features of ATP8B1-deficiency (PMID:9500542). It is absent or not present at a significant frequency in gnomAD. In silico models predict that this variant is possibly or probably damaging. In conclusion, we classify ATP8B1 p.Leu288Ser (c.863T>C) as a variant of uncertain significance.

OMIM
Classification: Pathogenic for CHOLESTASIS, PROGRESSIVE FAMILIAL INTRAHEPATIC, 1. Last evaluated: 1998-03-01. Review status: no assertion criteria provided. Collection method: literature only. Allele origin: germline. Not counted in ClinVar's aggregate classification.

Literature cited by the submitters: PubMed 9500542 (cited by Genomenon, Inc and OMIM).

NM_001374385.1(ATP8B1):c.863T>C (p.Leu288Ser)

Gene: ATP8B1 (ATPase phospholipid transporting 8B1; minus strand). Cytogenetic location: 18q21.31.
Variant type: single nucleotide variant.
Coding change: c.863T>C on transcript NM_001374385.1 (MANE Select); coding-DNA position 863, T replaced by C.
Protein change: p.Leu288Ser; replaces leucine 288 with serine.
Molecular consequence: missense variant.
Genome position (GRCh38, 1-based): chr18:57,695,248, A>G on the plus strand (T>C on the coding strand, the complement: ATP8B1 is on the minus strand). VCF-style: chr18-57695248-A-G. GRCh37 (hg19) VCF-style: chr18-55362480-A-G.
Other names: c.713T>C, p.Leu238Ser (NM_001374386.1); c.863T>C, p.Leu288Ser (NM_005603.6); short protein forms L288S, L238S.
Identifiers: ClinVar variation 7264 (VCV000007264.2), dbSNP rs121909099, ClinGen allele CA254131.